The following is an entry in ClinVar:

ClinVar aggregate classification (germline): Uncertain significance (1 of 4 stars; one submission).

Submission:

Labcorp Genetics (formerly Invitae), Labcorp
Classification: Uncertain significance. Last evaluated: 2022-08-23. Review status: criteria provided, single submitter. Criteria: Invitae Variant Classification Sherloc (09022015). Collection method: clinical testing. Allele origin: germline.
Comment: In summary, the available evidence is currently insufficient to determine the role of this variant in disease. Therefore, it has been classified as a Variant of Uncertain Significance. This variant is not present in population databases (gnomAD no frequency). This variant has not been reported in the literature in individuals affected with APC2-related conditions. Algorithms developed to predict the effect of missense changes on protein structure and function are either unavailable or do not agree on the potential impact of this missense change (SIFT: "Deleterious"; PolyPhen-2: "Benign"; Align-GVGD: "Class C45"). This sequence change replaces methionine, which is neutral and non-polar, with threonine, which is neutral and polar, at codon 1375 of the APC2 protein (p.Met1375Thr).

NM_005883.3(APC2):c.4124T>C (p.Met1375Thr)

Gene: APC2 (APC regulator of Wnt signaling pathway 2; plus strand). Cytogenetic location: 19p13.3.
Variant type: single nucleotide variant.
Coding change: c.4124T>C on transcript NM_005883.3 (MANE Select); coding-DNA position 4124, T replaced by C.
Protein change: p.Met1375Thr; replaces methionine 1375 with threonine.
Molecular consequence: missense variant.
Genome position (GRCh38, 1-based): chr19:1,467,425, T>C. VCF-style: chr19-1467425-T-C. GRCh37 (hg19) VCF-style: chr19-1467424-T-C.
Other names: c.4121T>C, p.Met1374Thr (NM_001351273.1); short protein forms M1375T, M1374T.
Identifiers: ClinVar variation 2073672 (VCV002073672.4), dbSNP rs2512529030, ClinGen allele CA403034361.